The following is an entry in ClinVar:

ClinVar aggregate classification (germline): Uncertain significance (1 of 4 stars; one submission).

Allele frequency attached by ClinVar (database versions not stated): gnomAD exomes 0.00001; gnomAD 0.00002; TOPMed 0.00002.

Submission:

Labcorp Genetics (formerly Invitae), Labcorp
Classification: Uncertain significance. Last evaluated: 2023-12-13. Review status: criteria provided, single submitter. Criteria: Invitae Variant Classification Sherloc (09022015). Collection method: clinical testing. Allele origin: germline.
Comment: This sequence change affects codon 115 of the MAGEL2 mRNA. It is a 'silent' change, meaning that it does not change the encoded amino acid sequence of the MAGEL2 protein. This variant is present in population databases (no rsID available, gnomAD 0.006%). This variant has not been reported in the literature in individuals affected with MAGEL2-related conditions. In summary, the available evidence is currently insufficient to determine the role of this variant in disease. Therefore, it has been classified as a Variant of Uncertain Significance.

NM_019066.5(MAGEL2):c.345G>A (p.Pro115=)

Gene: MAGEL2 (MAGE family member L2; minus strand). Cytogenetic location: 15q11.2.
Variant type: single nucleotide variant.
Coding change: c.345G>A on transcript NM_019066.5 (MANE Select); coding-DNA position 345, G replaced by A.
Protein change: p.Pro115=; no amino-acid change (proline 115 retained).
Molecular consequence: synonymous variant.
Genome position (GRCh38, 1-based): chr15:23,647,398, C>T on the plus strand (G>A on the coding strand, the complement: MAGEL2 is on the minus strand). VCF-style: chr15-23647398-C-T. GRCh37 (hg19) VCF-style: chr15-23892545-C-T.
Identifiers: ClinVar variation 2872451 (VCV002872451.3), dbSNP rs963717733, ClinGen allele CA267661663.